The following is an entry in ClinVar:

ClinVar aggregate classification (germline): Pathogenic (1 of 4 stars; one submission).

Conditions:
Progressive sclerosing poliodystrophy (MTDPS4A). Also called: ALPERS PROGRESSIVE INFANTILE POLIODYSTROPHY; NEURONAL DEGENERATION OF CHILDHOOD WITH LIVER DISEASE, PROGRESSIVE; Alpers Syndrome; ALPERS DIFFUSE DEGENERATION OF CEREBRAL GRAY MATTER WITH HEPATIC CIRRHOSIS; Alpers-Huttenlocher Syndrome; Mitochondrial DNA depletion syndrome 4A (Alpers type). Identifiers: Orphanet 726, MedGen C0205710, MONDO:0008758, OMIM 203700.

Submission:

Labcorp Genetics (formerly Invitae), Labcorp
Classification: Pathogenic for Progressive sclerosing poliodystrophy. Last evaluated: 2023-07-25. Review status: criteria provided, single submitter. Criteria: Invitae Variant Classification Sherloc (09022015). Collection method: clinical testing. Allele origin: germline.
Comment: This sequence change creates a premature translational stop signal (p.Thr1194Lysfs*2) in the POLG gene. It is expected to result in an absent or disrupted protein product. Loss-of-function variants in POLG are known to be pathogenic (PMID: 18546365). This variant is not present in population databases (gnomAD no frequency). This variant has not been reported in the literature in individuals affected with POLG-related conditions. ClinVar contains an entry for this variant (Variation ID: 1454099). For these reasons, this variant has been classified as Pathogenic.

Literature cited by the submitters: PubMed 18546365.

NM_002693.3(POLG):c.3576_3580dup (p.Thr1194delinsLysTer)

Gene: POLG (DNA polymerase gamma, catalytic subunit; minus strand). Cytogenetic location: 15q26.1.
Variant type: Duplication.
Coding change: c.3576_3580dup on transcript NM_002693.3 (MANE Select); coding-DNA positions 3576 to 3580, 5 bases duplicated (AGTGA; older notation c.3576_3580dupAGTGA).
Protein change: p.Thr1194delinsLysTer.
Molecular consequence: nonsense.
Genome position (GRCh38, 1-based): chr15:89,317,439-89,317,443, TCACT duplicated on the plus strand (AGTGA on the coding strand, the reverse complement: POLG is on the minus strand); duplicating any 5 consecutive bases within chr15:89,317,439-89,317,445 gives the same sequence; the c. name uses the placement nearest the transcript's 3' end. VCF-style (leftmost placement, unchanged base first): chr15-89317438-G-GTCACT. GRCh37 (hg19) VCF-style: chr15-89860669-G-GTCACT.
Other names: c.3576_3580dup, p.Thr1194delinsLysTer (NM_001126131.2).
Identifiers: ClinVar variation 1454099 (VCV001454099.6), dbSNP rs2152056369, ClinGen allele CA2573151254.